The following is an entry in ClinVar:

ClinVar aggregate classification (germline): Uncertain significance (1 of 4 stars; one submission).

Submission:

Labcorp Genetics (formerly Invitae), Labcorp
Classification: Uncertain significance. Last evaluated: 2023-12-27. Review status: criteria provided, single submitter. Criteria: Invitae Variant Classification Sherloc (09022015). Collection method: clinical testing. Allele origin: germline.
Comment: This sequence change replaces valine, which is neutral and non-polar, with isoleucine, which is neutral and non-polar, at codon 556 of the CACNA1E protein (p.Val556Ile). This variant is not present in population databases (gnomAD no frequency). This variant has not been reported in the literature in individuals affected with CACNA1E-related conditions. Advanced modeling of protein sequence and biophysical properties (such as structural, functional, and spatial information, amino acid conservation, physicochemical variation, residue mobility, and thermodynamic stability) has been performed at Invitae for this missense variant, however the output from this modeling did not meet the statistical confidence thresholds required to predict the impact of this variant on CACNA1E protein function. In summary, the available evidence is currently insufficient to determine the role of this variant in disease. Therefore, it has been classified as a Variant of Uncertain Significance.

NM_001205293.3(CACNA1E):c.1666G>A (p.Val556Ile)

Gene: CACNA1E (calcium voltage-gated channel subunit alpha1 E; plus strand). Cytogenetic location: 1q25.3.
Variant type: single nucleotide variant.
Coding change: c.1666G>A on transcript NM_001205293.3 (MANE Select); coding-DNA position 1666, G replaced by A.
Protein change: p.Val556Ile; replaces valine 556 with isoleucine.
Molecular consequence: missense variant.
Genome position (GRCh38, 1-based): chr1:181,719,778, G>A. VCF-style: chr1-181719778-G-A. GRCh37 (hg19) VCF-style: chr1-181688914-G-A.
Other names: c.1666G>A, p.Val556Ile (NM_000721.4, NM_001205294.2); short protein forms V556I.
Identifiers: ClinVar variation 2868290 (VCV002868290.3), dbSNP rs2528541593, ClinGen allele CA343626586.
Genomic context (GRCh38, chr1:181,719,778, plus strand): 5'-CTCCTCTCACTGTGGCTGGCATTGCCTCTCTAGGTCACAGTGGGCAGTATCTTTGAAGTG[G>A]TCTGGGCAATCTTCAGACCTGGTACGTCTTTTGGAATCAGTGTCTTGCGAGCCCTCCGGC-3'
Protein context (NP_001192222.1, residues 546-566): GVTVGSIFEV[Val556Ile]WAIFRPGTSF